The following is an entry in ClinVar:

ClinVar aggregate classification (germline): Uncertain significance. Review status: criteria provided, multiple submitters, no conflicts (2 of 4 stars). 2 submissions from 2 submitters: Uncertain significance (2). Last evaluated 2024-04-16.

Conditions:
Deafness-encephaloneuropathy-obesity-valvulopathy syndrome. Identifiers: Orphanet 254898, MedGen C3553354, MONDO:0013837, OMIM 614651.

Allele frequency attached by ClinVar (database versions not stated): ExAC 0.00002; gnomAD 0.00005; TOPMed 0.00010; ESP Exome Variant Server 0.00023.
gnomAD v4.1: 25 of 1,613,966 alleles (0.0015%); highest among the groups gnomAD compares: African/African-American, 0.019%; no homozygotes.

Submissions (2):

Fulgent Genetics
Classification: Uncertain significance for Deafness-encephaloneuropathy-obesity-valvulopathy syndrome. Last evaluated: 2024-04-16. Review status: criteria provided, single submitter. Criteria: ACMG Guidelines, 2015. Collection method: clinical testing. Allele origin: germline.

Labcorp Genetics (formerly Invitae), Labcorp
Classification: Uncertain significance. Last evaluated: 2022-02-01. Review status: criteria provided, single submitter. Criteria: Invitae Variant Classification Sherloc (09022015). Collection method: clinical testing. Allele origin: germline.
Comment: This sequence change replaces arginine, which is basic and polar, with glutamine, which is neutral and polar, at codon 146 of the PDSS1 protein (p.Arg146Gln). This variant is present in population databases (rs369956660, gnomAD 0.02%). This variant has not been reported in the literature in individuals affected with PDSS1-related conditions. Algorithms developed to predict the effect of missense changes on protein structure and function are either unavailable or do not agree on the potential impact of this missense change (SIFT: "Not Available"; PolyPhen-2: "Possibly Damaging"; Align-GVGD: "Not Available"). In summary, the available evidence is currently insufficient to determine the role of this variant in disease. Therefore, it has been classified as a Variant of Uncertain Significance.

NM_014317.5(PDSS1):c.437G>A (p.Arg146Gln)

Gene: PDSS1 (decaprenyl diphosphate synthase subunit 1; plus strand). Cytogenetic location: 10p12.1.
Variant type: single nucleotide variant.
Coding change: c.437G>A on transcript NM_014317.5 (MANE Select); coding-DNA position 437, G replaced by A.
Protein change: p.Arg146Gln; replaces arginine 146 with glutamine.
Molecular consequence: missense variant. On other transcripts: 5 prime UTR variant (1).
Genome position (GRCh38, 1-based): chr10:26,709,738, G>A. VCF-style: chr10-26709738-G-A. GRCh37 (hg19) VCF-style: chr10-26998667-G-A.
Other names: c.437G>A, p.Arg146Gln (NM_001321978.2); c.-157G>A (NM_001321979.2); short protein forms R146Q.
Identifiers: ClinVar variation 2182146 (VCV002182146.2), dbSNP rs369956660, ClinGen allele CA5446931.